The following is an entry in ClinVar:

NM_032603.5(LOXL3):c.2186T>C (p.Ile729Thr)

Gene: LOXL3 (lysyl oxidase like 3; minus strand). Cytogenetic location: 2p13.1.
Variant type: single nucleotide variant.
Coding change: c.2186T>C on transcript NM_032603.5 (MANE Select); coding-DNA position 2186, T replaced by C.
Protein change: p.Ile729Thr; replaces isoleucine 729 with threonine.
Molecular consequence: missense variant.
Genome position (GRCh38, 1-based): chr2:74,533,884, A>G on the plus strand (T>C on the coding strand, the complement: LOXL3 is on the minus strand). VCF-style: chr2-74533884-A-G. GRCh37 (hg19) VCF-style: chr2-74761011-A-G.
Other names: c.1751T>C, p.Ile584Thr (NM_001289164.3); c.1103T>C, p.Ile368Thr (NM_001289165.2); c.2186T>C (NM_032603.2); short protein forms I584T, I729T, I368T.
Identifiers: ClinVar variation 1489905 (VCV001489905.4), dbSNP rs569744999, ClinGen allele CA1728691.

ClinVar aggregate classification (germline): Uncertain significance. Review status: criteria provided, multiple submitters, no conflicts (2 of 4 stars). 2 submissions from 2 submitters: Uncertain significance (2). Last evaluated 2022-08-23.

Allele frequency attached by ClinVar (database versions not stated): ExAC 0.00004; gnomAD 0.00005; gnomAD exomes 0.00006 and 0.00007; TOPMed 0.00006; 1000 Genomes Project 30x 0.00016; 1000 Genomes Project 0.00020.

Submissions (2):

Labcorp Genetics (formerly Invitae), Labcorp
Classification: Uncertain significance. Last evaluated: 2022-08-23. Review status: criteria provided, single submitter. Criteria: Invitae Variant Classification Sherloc (09022015). Collection method: clinical testing. Allele origin: germline.
Comment: This sequence change replaces isoleucine, which is neutral and non-polar, with threonine, which is neutral and polar, at codon 729 of the LOXL3 protein (p.Ile729Thr). This variant is present in population databases (rs569744999, gnomAD 0.02%). This variant has not been reported in the literature in individuals affected with LOXL3-related conditions. ClinVar contains an entry for this variant (Variation ID: 1489905). Algorithms developed to predict the effect of missense changes on protein structure and function are either unavailable or do not agree on the potential impact of this missense change (SIFT: "Tolerated"; PolyPhen-2: "Possibly Damaging"; Align-GVGD: "Class C0"). Algorithms developed to predict the effect of sequence changes on RNA splicing suggest that this variant may create or strengthen a splice site. In summary, the available evidence is currently insufficient to determine the role of this variant in disease. Therefore, it has been classified as a Variant of Uncertain Significance.

Ambry Genetics
Classification: Uncertain significance. Last evaluated: 2021-06-21. Review status: criteria provided, single submitter. Criteria: Ambry Variant Classification Scheme 2023. Collection method: clinical testing. Allele origin: germline.